The following is an entry in ClinVar:

NC_000019.10:g.(?_53873530)_(53893391_?)dup

Genes: MYADM (myeloid associated differentiation marker; plus strand), PRKCG (protein kinase C gamma; plus strand). Cytogenetic location: 19q13.42.
Variant type: Duplication.
Identifiers: ClinVar variation 831822 (VCV000831822.5).

ClinVar aggregate classification (germline): Uncertain significance (1 of 4 stars; one submission).

Submission:

Labcorp Genetics (formerly Invitae), Labcorp
Classification: Uncertain significance. Last evaluated: 2019-02-06. Review status: criteria provided, single submitter. Criteria: Invitae Variant Classification Sherloc (09022015). Collection method: clinical testing. Allele origin: germline.
Comment: In summary, the available evidence is currently insufficient to determine the role of this variant in disease. Therefore, it has been classified as a Variant of Uncertain Significance. This variant results in a copy number gain of the genomic region encompassing exons 1-9 of the PRKCG gene. The 5' end of this event is unknown as it extends beyond the assayed region for this gene and therefore may encompass additional genes. The 3' boundary is likely confined to intron 9 of the PRKCG gene. As the precise location of this event is unknown, it may be in tandem or it may be located elsewhere in the genome.